The following is an entry in ClinVar:

NM_004171.4(SLC1A2):c.332del (p.Lys111fs)

Gene: SLC1A2 (solute carrier family 1 member 2; minus strand). Cytogenetic location: 11p13.
Variant type: Deletion.
Coding change: c.332del on transcript NM_004171.4 (MANE Select); coding-DNA position 332, one base deleted (A; older notation c.332delA).
Protein change: p.Lys111fs; shifts the reading frame from lysine 111.
Molecular consequence: frameshift variant.
Genome position (GRCh38, 1-based): chr11:35,312,427, T deleted on the plus strand (A on the coding strand, the reverse complement: SLC1A2 is on the minus strand); the first of 2 consecutive T bases (chr11:35,312,427-35,312,428); deleting either gives the same sequence. VCF-style (leftmost placement, unchanged base first): chr11-35312426-CT-C. GRCh37 (hg19) VCF-style: chr11-35333973-CT-C.
Other names: c.305del, p.Lys102fs (NM_001195728.3, NM_001252652.2); short protein forms K102fs, K111fs.
Identifiers: ClinVar variation 1998251 (VCV001998251.4), dbSNP rs2497904596, ClinGen allele CA2580084089.
Genomic context (GRCh38, chr11:35,312,426, plus strand): 5'-AGCAATGATGGTCGTGGACATGTAATACACCATGGCTCTCGTGCCCAAGCGGCCACTAGC[CT>C]TAGCATCCAGGCCTGACAACCCTGGATTGAAAAGAAATGCAGAAGGATTAATTCTATTAC-3'

ClinVar aggregate classification (germline): Uncertain significance (1 of 4 stars; one submission).

Submission:

Labcorp Genetics (formerly Invitae), Labcorp
Classification: Uncertain significance. Last evaluated: 2025-02-24. Review status: criteria provided, single submitter. Criteria: Invitae Variant Classification Sherloc (09022015). Collection method: clinical testing. Allele origin: germline.
Comment: This sequence change creates a premature translational stop signal (p.Lys111Argfs*81) in the SLC1A2 gene. It is expected to result in an absent or disrupted protein product. However, the current clinical and genetic evidence is not sufficient to establish whether loss-of-function variants in SLC1A2 cause disease. This variant is not present in population databases (gnomAD no frequency). This variant has not been reported in the literature in individuals affected with SLC1A2-related conditions. ClinVar contains an entry for this variant (Variation ID: 1998251). In summary, the available evidence is currently insufficient to determine the role of this variant in disease. Therefore, it has been classified as a Variant of Uncertain Significance.